The following is an entry in ClinVar:

ClinVar aggregate classification (germline): Conflicting classifications of pathogenicity. Review status: criteria provided, conflicting classifications (1 of 4 stars). 8 submissions from 8 submitters: Uncertain significance (1); Benign (1); Likely benign (3). 3 of the submissions do not count toward it. Last evaluated 2026-01-27.

Conditions:
ADGRV1-related disorder. Also called: ADGRV1-related condition; ADGRV1-related disorders.

Allele frequency attached by ClinVar (database versions not stated): TOPMed 0.00049; ESP Exome Variant Server 0.00067; gnomAD 0.00072 and 0.00076; gnomAD exomes 0.00086; ExAC 0.00119.
gnomAD v4.1: 1,008 of 1,613,694 alleles (0.062%); highest among the groups gnomAD compares: Admixed American, 0.08%; 2 homozygotes.

Submissions (8):

Labcorp Genetics (formerly Invitae), Labcorp
Classification: Benign. Last evaluated: 2026-01-27. Review status: criteria provided, single submitter. Criteria: Invitae Variant Classification Sherloc (09022015). Collection method: clinical testing. Allele origin: germline.

Blueprint Genetics
Classification: Likely benign. Last evaluated: 2024-11-19. Review status: criteria provided, single submitter. Criteria: ACMG Guidelines, 2015. Collection method: clinical testing. Allele origin: germline.

GeneDx
Classification: Likely benign. Last evaluated: 2022-03-23. Review status: criteria provided, single submitter. Criteria: GeneDx Variant Classification Process June 2021. Collection method: clinical testing. Allele origin: germline. Affected: yes.

Eurofins Ntd Llc (ga)
Classification: Uncertain significance. Last evaluated: 2016-02-12. Review status: criteria provided, single submitter. Criteria: EGL Classification Definitions 2015. Collection method: clinical testing. Allele origin: germline. Observed: 1 variant allele, 1 heterozygote.

Laboratory for Molecular Medicine, Mass General Brigham Personalized Medicine
Classification: Likely benign. Last evaluated: 2015-02-19. Review status: criteria provided, single submitter. Criteria: LMM Criteria. Collection method: clinical testing. Allele origin: germline. Observed: 1 variant allele.
Comment: p.Gln345Lys in exon 7 of GPR98: This variant is not expected to have clinical si gnificance because it has been identified in 0.2% (135/66722) of European chromo somes by the Exome Aggregation Consortium (ExAC; dbSNP rs201236317), and the glutamine (Gln) residue at position 345 is not evol utionarily conserved across species, with many species having a lysine (Lys) at this position.

PreventionGenetics, part of Exact Sciences
Classification: Likely benign for ADGRV1-related condition. Last evaluated: 2024-07-10. Review status: no assertion criteria provided. Collection method: clinical testing. Allele origin: germline. Not counted in ClinVar's aggregate classification.
Comment: This variant is classified as likely benign based on ACMG/AMP sequence variant interpretation guidelines (Richards et al. 2015 PMID: 25741868, with internal and published modifications).

Clinical Genetics DNA and cytogenetics Diagnostics Lab, Erasmus MC, Erasmus Medical Center
Classification: Likely benign. Review status: no assertion criteria provided. Collection method: clinical testing. Allele origin: germline. Affected: yes. Study: VKGL Data-share Consensus. Not counted in ClinVar's aggregate classification.

Clinical Genetics, Academic Medical Center
Classification: Likely benign. Review status: no assertion criteria provided. Collection method: clinical testing. Allele origin: germline. Affected: yes. Study: VKGL Data-share Consensus. Not counted in ClinVar's aggregate classification.

NM_032119.4(ADGRV1):c.1033C>A (p.Gln345Lys)

Gene: ADGRV1 (adhesion G protein-coupled receptor V1; plus strand). Cytogenetic location: 5q14.3.
Variant type: single nucleotide variant.
Coding change: c.1033C>A on transcript NM_032119.4 (MANE Select); coding-DNA position 1033, C replaced by A.
Protein change: p.Gln345Lys; replaces glutamine 345 with lysine.
Molecular consequence: missense variant. On other transcripts: non-coding transcript variant (1).
Genome position (GRCh38, 1-based): chr5:90,627,571, C>A. VCF-style: chr5-90627571-C-A. GRCh37 (hg19) VCF-style: chr5-89923388-C-A.
Other names: short protein forms Q345K.
Identifiers: ClinVar variation 227388 (VCV000227388.24), dbSNP rs201236317, ClinGen allele CA3338598.